The following is an entry in ClinVar:

NM_003638.3(ITGA8):c.2148G>A (p.Lys716=)

Gene: ITGA8 (integrin subunit alpha 8; minus strand). Cytogenetic location: 10p13.
Variant type: single nucleotide variant.
Coding change: c.2148G>A on transcript NM_003638.3 (MANE Select); coding-DNA position 2148, G replaced by A.
Protein change: p.Lys716=; no amino-acid change (lysine 716 retained).
Molecular consequence: synonymous variant.
Genome position (GRCh38, 1-based): chr10:15,597,270, C>T on the plus strand (G>A on the coding strand, the complement: ITGA8 is on the minus strand). VCF-style: chr10-15597270-C-T. GRCh37 (hg19) VCF-style: chr10-15639269-C-T.
Other names: c.2103G>A, p.Lys701= (NM_001291494.2).
Identifiers: ClinVar variation 2416809 (VCV002416809.7), dbSNP rs371100444, ClinGen allele CA5419952.

ClinVar aggregate classification (germline): Uncertain significance (1 of 4 stars; one submission).

Allele frequency attached by ClinVar (database versions not stated): ExAC 0.00001; gnomAD 0.00001; gnomAD exomes 0.00001; ESP Exome Variant Server 0.00008.
gnomAD v4.1: 11 of 1,613,970 alleles (0.00068%); highest among the groups gnomAD compares: South Asian, 0.0022%; no homozygotes.

Submission:

Labcorp Genetics (formerly Invitae), Labcorp
Classification: Uncertain significance. Last evaluated: 2022-08-22. Review status: criteria provided, single submitter. Criteria: Invitae Variant Classification Sherloc (09022015). Collection method: clinical testing. Allele origin: germline.
Comment: In summary, the available evidence is currently insufficient to determine the role of this variant in disease. Therefore, it has been classified as a Variant of Uncertain Significance. This sequence change affects codon 716 of the ITGA8 mRNA. It is a 'silent' change, meaning that it does not change the encoded amino acid sequence of the ITGA8 protein. This variant is present in population databases (rs371100444, gnomAD 0.004%). This variant has not been reported in the literature in individuals affected with ITGA8-related conditions. Algorithms developed to predict the effect of sequence changes on RNA splicing suggest that this variant may disrupt the consensus splice site.